The following is an entry in ClinVar:

NM_004990.4(MARS1):c.71G>C (p.Gly24Ala)

Genes: ARHGAP9 (Rho GTPase activating protein 9; minus strand), MARS1 (methionyl-tRNA synthetase 1; plus strand). Cytogenetic location: 12q13.3.
Variant type: single nucleotide variant.
Coding change: c.71G>C on transcript NM_004990.4 (MANE Select); coding-DNA position 71, G replaced by C.
Protein change: p.Gly24Ala; replaces glycine 24 with alanine.
Molecular consequence: missense variant. On other transcripts: intron variant (1).
Genome position (GRCh38, 1-based): chr12:57,488,161, G>C. VCF-style: chr12-57488161-G-C. GRCh37 (hg19) VCF-style: chr12-57881944-G-C.
Other names: c.-204+451C>G (NM_001319850.2); short protein forms G24A.
Identifiers: ClinVar variation 2059873 (VCV002059873.5), dbSNP rs771461328, ClinGen allele CA6650014.

ClinVar aggregate classification (germline): Uncertain significance. Review status: criteria provided, multiple submitters, no conflicts (2 of 4 stars). 2 submissions from 2 submitters: Uncertain significance (2). Last evaluated 2025-06-25.

Conditions:
Severe early-onset pulmonary alveolar proteinosis due to MARS deficiency. Also called: PULMONARY ALVEOLAR PROTEINOSIS, REUNION ISLAND; Interstitial lung and liver disease. Identifiers: Orphanet 440427, MedGen C4225400, MONDO:0014206, OMIM 615486.
Charcot-Marie-Tooth disease axonal type 2U. Also called: CHARCOT-MARIE-TOOTH NEUROPATHY, TYPE 2U; CHARCOT-MARIE-TOOTH DISEASE, AXONAL, AUTOSOMAL DOMINANT, TYPE 2U. Identifiers: Orphanet 397735, MedGen C4084821, MONDO:0014566, OMIM 616280.

Allele frequency attached by ClinVar (database versions not stated): TOPMed 0.00009; gnomAD exomes 0.00002; ExAC 0.00017.
gnomAD v4.1: 30 of 1,614,172 alleles (0.0019%); highest among the groups gnomAD compares: Admixed American, 0.045%; 1 homozygote.

Submissions (2):

Ambry Genetics
Classification: Uncertain significance. Last evaluated: 2025-06-25. Review status: criteria provided, single submitter. Criteria: Ambry Variant Classification Scheme 2023. Collection method: clinical testing. Allele origin: germline.

Labcorp Genetics (formerly Invitae), Labcorp
Classification: Uncertain significance for Charcot-Marie-Tooth disease axonal type 2U; Severe early-onset pulmonary alveolar proteinosis due to MARS deficiency. Last evaluated: 2023-01-20. Review status: criteria provided, single submitter. Criteria: Invitae Variant Classification Sherloc (09022015). Collection method: clinical testing. Allele origin: germline.
Comment: Algorithms developed to predict the effect of missense changes on protein structure and function (SIFT, PolyPhen-2, Align-GVGD) all suggest that this variant is likely to be tolerated. In summary, the available evidence is currently insufficient to determine the role of this variant in disease. Therefore, it has been classified as a Variant of Uncertain Significance. This variant has not been reported in the literature in individuals affected with MARS-related conditions. This variant is present in population databases (rs771461328, gnomAD 0.07%). This sequence change replaces glycine, which is neutral and non-polar, with alanine, which is neutral and non-polar, at codon 24 of the MARS protein (p.Gly24Ala).